The following is an entry in ClinVar:

ClinVar aggregate classification (germline): Likely benign (0 of 4 stars; one submission).

Conditions:
RECQL5-related disorder. Also called: RECQL5-related condition.

Allele frequency attached by ClinVar (database versions not stated): gnomAD exomes 0.00001; ExAC 0.00002; gnomAD 0.00003; TOPMed 0.00005.
gnomAD v4.1: 35 of 1,614,032 alleles (0.0022%); highest among the groups gnomAD compares: East Asian, 0.031%; no homozygotes.

Submission:

PreventionGenetics, part of Exact Sciences
Classification: Likely benign for RECQL5-related condition. Last evaluated: 2022-09-28. Review status: no assertion criteria provided. Collection method: clinical testing. Allele origin: germline.
Comment: This variant is classified as likely benign based on ACMG/AMP sequence variant interpretation guidelines (Richards et al. 2015 PMID: 25741868, with internal and published modifications).

NM_004259.7(RECQL5):c.357A>G (p.Glu119=)

Gene: RECQL5 (RecQ like helicase 5; minus strand). Cytogenetic location: 17q25.1.
Variant type: single nucleotide variant.
Coding change: c.357A>G on transcript NM_004259.7 (MANE Select); coding-DNA position 357, A replaced by G.
Protein change: p.Glu119=; no amino-acid change (glutamic acid 119 retained).
Molecular consequence: synonymous variant.
Genome position (GRCh38, 1-based): chr17:75,662,893, T>C on the plus strand (A>G on the coding strand, the complement: RECQL5 is on the minus strand). VCF-style: chr17-75662893-T-C. GRCh37 (hg19) VCF-style: chr17-73658973-T-C.
Other names: c.357A>G, p.Glu119= (NM_001003715.4, NM_001003716.4).
Identifiers: ClinVar variation 3039493 (VCV003039493.2), dbSNP rs778631205, ClinGen allele CA8767951.